The following is an entry in ClinVar:

ClinVar aggregate classification (germline): Likely benign. Review status: criteria provided, multiple submitters, no conflicts (2 of 4 stars). 2 submissions from 2 submitters: Likely benign (2). Last evaluated 2024-10-03.

Conditions:
SCAPER-related disorder. Also called: SCAPER-related condition.

gnomAD v4.1: 76 of 1,613,204 alleles (0.0047%); highest among the groups gnomAD compares: Non-Finnish European, 0.0064%; 1 homozygote.

Submissions (2):

PreventionGenetics, part of Exact Sciences
Classification: Likely benign for SCAPER-related condition. Last evaluated: 2024-10-03. Review status: criteria provided, single submitter. Criteria: ACMG Guidelines, 2015. Collection method: clinical testing. Allele origin: germline.
Comment: This variant is classified as likely benign based on ACMG/AMP sequence variant interpretation guidelines (Richards et al. 2015 PMID: 25741868, with internal and published modifications).

Blueprint Genetics
Classification: Likely benign. Last evaluated: 2024-09-23. Review status: criteria provided, single submitter. Criteria: ACMG Guidelines, 2015. Collection method: clinical testing. Allele origin: germline.

NM_020843.4(SCAPER):c.3561C>G (p.Leu1187=)

Gene: SCAPER (S-phase cyclin A associated protein in the ER; minus strand). Cytogenetic location: 15q24.3.
Variant type: single nucleotide variant.
Coding change: c.3561C>G on transcript NM_020843.4 (MANE Select); coding-DNA position 3561, C replaced by G.
Protein change: p.Leu1187=; no amino-acid change (leucine 1187 retained).
Molecular consequence: synonymous variant. On other transcripts: non-coding transcript variant (1).
Genome position (GRCh38, 1-based): chr15:76,381,522, G>C on the plus strand (C>G on the coding strand, the complement: SCAPER is on the minus strand). VCF-style: chr15-76381522-G-C. GRCh37 (hg19) VCF-style: chr15-76673863-G-C.
Other names: c.2823C>G, p.Leu941= (NM_001145923.2); c.3579C>G, p.Leu1193= (NM_001353009.2); c.3159C>G, p.Leu1053= (NM_001353010.2, NM_001353012.2); c.3177C>G, p.Leu1059= (NM_001353011.2); c.3579C>G (NM_001353009.1).
Identifiers: ClinVar variation 4925930 (VCV004925930.2).